The following is an entry in ClinVar:

NM_080605.4(B3GALT6):c.31C>T (p.Arg11Trp)

Gene: B3GALT6 (beta-1,3-galactosyltransferase 6; plus strand). Cytogenetic location: 1p36.33.
Variant type: single nucleotide variant.
Coding change: c.31C>T on transcript NM_080605.4 (MANE Select); coding-DNA position 31, C replaced by T.
Protein change: p.Arg11Trp; replaces arginine 11 with tryptophan.
Molecular consequence: missense variant.
Genome position (GRCh38, 1-based): chr1:1,232,309, C>T. VCF-style: chr1-1232309-C-T. GRCh37 (hg19) VCF-style: chr1-1167689-C-T.
Other names: short protein forms R11W.
Identifiers: ClinVar variation 386485 (VCV000386485.12), dbSNP rs1039242906, ClinGen allele CA16603391.

ClinVar aggregate classification (germline): Uncertain significance. Review status: criteria provided, multiple submitters, no conflicts (2 of 4 stars). 4 submissions from 4 submitters: Uncertain significance (4). Last evaluated 2025-03-03.

Conditions:
Ehlers-Danlos syndrome, spondylodysplastic type, 2 (EDSSPD2). Also called: Ehlers-Danlos syndrome, progeroid type, 2. Identifiers: Orphanet 536467, Orphanet 75496, MedGen C3809210, MONDO:0014139, OMIM 615349.
Spondyloepimetaphyseal dysplasia with joint laxity (SEMDJL). Identifiers: MedGen C0432243, MONDO:0019675.
Inborn genetic diseases. Identifiers: MedGen C0950123, MeSH D030342.

Allele frequency attached by ClinVar (database versions not stated): gnomAD exomes below 0.00001; gnomAD 0.00002; TOPMed 0.00009.
gnomAD v4.1: 5 of 982,636 alleles (0.00051%); highest among the groups gnomAD compares: Admixed American, 0.013%; no homozygotes.

Submissions (4):

Ambry Genetics
Classification: Uncertain significance for Inborn genetic diseases. Last evaluated: 2025-03-03. Review status: criteria provided, single submitter. Criteria: Ambry Variant Classification Scheme 2023. Collection method: clinical testing. Allele origin: germline.

Women's Health and Genetics/Laboratory Corporation of America, LabCorp
Classification: Uncertain significance. Last evaluated: 2024-12-24. Review status: criteria provided, single submitter. Criteria: LabCorp Variant Classification Summary - May 2015. Collection method: clinical testing. Allele origin: germline.
Comment: Variant summary: B3GALT6 c.31C>T (p.Arg11Trp) results in a non-conservative amino acid change in the encoded protein sequence. Three of five in-silico tools predict a damaging effect of the variant on protein function. The variant allele was found at a frequency of 5.1e-06 in 979788 control chromosomes in the gnomAD database (v4.1 dataset). The available data on variant occurrences in the general population are insufficient to allow any conclusion about variant significance. To our knowledge, no occurrence of c.31C>T in individuals affected with Spondyloepimetaphyseal dysplasia with joint laxity, type 1, with or without fractures and no experimental evidence demonstrating its impact on protein function have been reported. ClinVar contains an entry for this variant (Variation ID: 386485). Based on the evidence outlined above, the variant was classified as uncertain significance.

Labcorp Genetics (formerly Invitae), Labcorp
Classification: Uncertain significance for Ehlers-Danlos syndrome, spondylodysplastic type, 2; Spondyloepimetaphyseal dysplasia with joint laxity. Last evaluated: 2022-03-29. Review status: criteria provided, single submitter. Criteria: Invitae Variant Classification Sherloc (09022015). Collection method: clinical testing. Allele origin: germline.
Comment: This sequence change replaces arginine, which is basic and polar, with tryptophan, which is neutral and slightly polar, at codon 11 of the B3GALT6 protein (p.Arg11Trp). The frequency data for this variant in the population databases is considered unreliable, as metrics indicate insufficient coverage at this position in the gnomAD database. This variant has not been reported in the literature in individuals affected with B3GALT6-related conditions. ClinVar contains an entry for this variant (Variation ID: 386485). Algorithms developed to predict the effect of missense changes on protein structure and function are either unavailable or do not agree on the potential impact of this missense change (SIFT: "Tolerated"; PolyPhen-2: "Not Available"; Align-GVGD: "Class C0"). In summary, the available evidence is currently insufficient to determine the role of this variant in disease. Therefore, it has been classified as a Variant of Uncertain Significance.

GeneDx
Classification: Uncertain significance. Last evaluated: 2020-11-25. Review status: criteria provided, single submitter. Criteria: GeneDx Variant Classification Process June 2021. Collection method: clinical testing. Allele origin: germline. Affected: yes.
Comment: In silico analysis supports that this missense variant does not alter protein structure/function; Has not been previously published as pathogenic or benign to our knowledge